The following is an entry in ClinVar:

NM_001267550.2(TTN):c.27765del (p.Phe9255fs)

Gene: TTN (titin; minus strand). Cytogenetic location: 2q31.2.
Variant type: Deletion.
Coding change: c.27765del on transcript NM_001267550.2 (MANE Select); coding-DNA position 27765, one base deleted (T; older notation c.27765delT).
Protein change: p.Phe9255fs; shifts the reading frame from phenylalanine 9255.
Molecular consequence: frameshift variant. On other transcripts: intron variant (3).
Genome position (GRCh38, 1-based): chr2:178,712,065, A deleted on the plus strand (T on the coding strand, the reverse complement: TTN is on the minus strand); the first of 4 consecutive A bases (chr2:178,712,065-178,712,068); deleting any one gives the same sequence. VCF-style (leftmost placement, unchanged base first): chr2-178712064-TA-T. GRCh37 (hg19) VCF-style: chr2-179576791-TA-T.
Other names: c.26814del, p.Phe8938fs (NM_001256850.1); c.24033del, p.Phe8011fs (NM_133378.4); c.13282+26017del (NM_003319.4); c.13858+26017del (NM_133437.4); c.13657+26017del (NM_133432.3); short protein forms F9255fs, F8011fs, F8938fs.
Identifiers: ClinVar variation 2037181 (VCV002037181.4), dbSNP rs2528869693, ClinGen allele CA2580065083.

ClinVar aggregate classification (germline): Likely pathogenic (1 of 4 stars; one submission).

Conditions:
Dilated cardiomyopathy 1G (CMD1G). Identifiers: Orphanet 154, MedGen C1858763, MONDO:0011400, OMIM 604145.
Autosomal recessive limb-girdle muscular dystrophy type 2J (LGMDR10). Also called: MUSCULAR DYSTROPHY, LIMB-GIRDLE, AUTOSOMAL RECESSIVE 10; Limb-girdle muscular dystrophy, type 2J. Identifiers: Orphanet 140922, MedGen C1837342, MONDO:0012127, OMIM 608807.

Submission:

Labcorp Genetics (formerly Invitae), Labcorp
Classification: Likely pathogenic for Dilated cardiomyopathy 1G; Autosomal recessive limb-girdle muscular dystrophy type 2J. Last evaluated: 2024-10-18. Review status: criteria provided, single submitter. Criteria: Invitae Variant Classification Sherloc (09022015). Collection method: clinical testing. Allele origin: germline.
Comment: This sequence change creates a premature translational stop signal (p.Phe9255Leufs*53) in the TTN gene. While this is not anticipated to result in nonsense mediated decay, it is expected to create a truncated TTN protein. This variant is not present in population databases (gnomAD no frequency). This variant has not been reported in the literature in individuals affected with TTN-related conditions. ClinVar contains an entry for this variant (Variation ID: 2037181). This variant is located in the I band of TTN (PMID: 25589632). Truncating variants in this region have been reported in individuals affected with autosomal recessive centronuclear myopathy (PMID: 23975875, internal data). Truncating variants in this region have also been identified in individuals affected with autosomal dominant dilated cardiomyopathy and/or cardio-related conditions (PMID: 27869827, 32964742, internal data). In summary, the currently available evidence indicates that the variant is pathogenic, but additional data are needed to prove that conclusively. Therefore, this variant has been classified as Likely Pathogenic.

Literature cited by the submitters: PubMed 25589632; PubMed 23975875; PubMed 27869827; PubMed 32964742.